The following is an entry in ClinVar:

NM_022168.4(IFIH1):c.2503C>T (p.His835Tyr)

Gene: IFIH1 (interferon induced with helicase C domain 1; minus strand). Cytogenetic location: 2q24.2.
Variant type: single nucleotide variant.
Coding change: c.2503C>T on transcript NM_022168.4 (MANE Select); coding-DNA position 2503, C replaced by T.
Protein change: p.His835Tyr; replaces histidine 835 with tyrosine.
Molecular consequence: missense variant.
Genome position (GRCh38, 1-based): chr2:162,272,339, G>A on the plus strand (C>T on the coding strand, the complement: IFIH1 is on the minus strand). VCF-style: chr2-162272339-G-A. GRCh37 (hg19) VCF-style: chr2-163128849-G-A.
Other names: short protein forms H835Y.
Identifiers: ClinVar variation 3753621 (VCV003753621.2).
Genomic context (GRCh38, chr2:162,272,339, plus strand): 5'-ACATCATCTTCTCTCGGAAATCATTAACTGTCTCATGTTCGATAACTCCTGAACCACTGT[G>A]AGCAACCAGGACGTAGGTGCTCTCATCAGCTCTGGCTCGACCACGGGCCTGAAAACACAA-3'
Protein context (NP_071451.2, residues 825-845): ADESTYVLVA[His835Tyr]SGSGVIEHET

ClinVar aggregate classification (germline): Uncertain significance (1 of 4 stars; one submission).

Conditions:
Singleton-Merten syndrome 1 (SGMRT1). Also called: Widened medullary cavities of bone, aortic calcification, abnormal dentition, and muscular weakness; Syndrome of widened medullary cavities of the metacarpals and phalanges, aortic calcification and abnormal dentition. Identifiers: Orphanet 85191, MedGen C4225427, MONDO:0024535, OMIM 182250.
Aicardi-Goutieres syndrome 7 (AGS7). Identifiers: Orphanet 51, MedGen C3888244, MONDO:0014367, OMIM 615846.

Submission:

Labcorp Genetics (formerly Invitae), Labcorp
Classification: Uncertain significance for Aicardi-Goutieres syndrome 7; Singleton-Merten syndrome 1. Last evaluated: 2025-01-20. Review status: criteria provided, single submitter. Criteria: Invitae Variant Classification Sherloc (09022015). Collection method: clinical testing. Allele origin: germline.
Comment: This sequence change replaces histidine, which is basic and polar, with tyrosine, which is neutral and polar, at codon 835 of the IFIH1 protein (p.His835Tyr). This variant is not present in population databases (gnomAD no frequency). This variant has not been reported in the literature in individuals affected with IFIH1-related conditions. Invitae Evidence Modeling of protein sequence and biophysical properties (such as structural, functional, and spatial information, amino acid conservation, physicochemical variation, residue mobility, and thermodynamic stability) has been performed for this missense variant. However, the output from this modeling did not meet the statistical confidence thresholds required to predict the impact of this variant on IFIH1 protein function. In summary, the available evidence is currently insufficient to determine the role of this variant in disease. Therefore, it has been classified as a Variant of Uncertain Significance.